The following is an entry in ClinVar:

NM_014444.5(TUBGCP4):c.170A>G (p.Glu57Gly)

Gene: TUBGCP4 (tubulin gamma complex component 4; plus strand). Cytogenetic location: 15q15.3.
Variant type: single nucleotide variant.
Coding change: c.170A>G on transcript NM_014444.5 (MANE Select); coding-DNA position 170, A replaced by G.
Protein change: p.Glu57Gly; replaces glutamic acid 57 with glycine.
Molecular consequence: missense variant.
Genome position (GRCh38, 1-based): chr15:43,376,189, A>G. VCF-style: chr15-43376189-A-G. GRCh37 (hg19) VCF-style: chr15-43668387-A-G.
Other names: c.170A>G, p.Glu57Gly (NM_001286414.3); short protein forms E57G.
Identifiers: ClinVar variation 1498029 (VCV001498029.3), dbSNP rs749948500, ClinGen allele CA7523675.

ClinVar aggregate classification (germline): Uncertain significance (1 of 4 stars; one submission).

Allele frequency attached by ClinVar (database versions not stated): gnomAD exomes below 0.00001; gnomAD 0.00001 and 0.00002; TOPMed 0.00002.
gnomAD v4.1: 3 of 1,613,948 alleles (0.00019%); highest among the groups gnomAD compares: African/African-American, 0.004%; no homozygotes.

Submission:

Labcorp Genetics (formerly Invitae), Labcorp
Classification: Uncertain significance. Last evaluated: 2022-07-05. Review status: criteria provided, single submitter. Criteria: Invitae Variant Classification Sherloc (09022015). Collection method: clinical testing. Allele origin: germline.
Comment: This sequence change replaces glutamic acid, which is acidic and polar, with glycine, which is neutral and non-polar, at codon 57 of the TUBGCP4 protein (p.Glu57Gly). This variant is present in population databases (rs749948500, gnomAD 0.008%). This variant has not been reported in the literature in individuals affected with TUBGCP4-related conditions. ClinVar contains an entry for this variant (Variation ID: 1498029). Algorithms developed to predict the effect of missense changes on protein structure and function are either unavailable or do not agree on the potential impact of this missense change (SIFT: "Deleterious"; PolyPhen-2: "Benign"; Align-GVGD: "Class C15"). In summary, the available evidence is currently insufficient to determine the role of this variant in disease. Therefore, it has been classified as a Variant of Uncertain Significance.